The following is an entry in ClinVar:

ClinVar aggregate classification (germline): Uncertain significance. Review status: criteria provided, multiple submitters, no conflicts (2 of 4 stars). 2 submissions from 2 submitters: Uncertain significance (2). Last evaluated 2024-05-23.

Conditions:
Joubert syndrome. Also called: CEREBELLOPARENCHYMAL DISORDER IV; JOUBERT-BOLTSHAUSER SYNDROME; Familial aplasia of the vermis. Identifiers: Orphanet 475, MedGen C5979921, MONDO:0018772.
Meckel-Gruber syndrome. Also called: DYSENCEPHALIA SPLANCHNOCYSTICA; GRUBER SYNDROME; Dysencephalia splachnocystica. Identifiers: Orphanet 564, MedGen C0265215, MONDO:0018921.
Bardet-Biedl syndrome 14 (BBS14). Identifiers: Orphanet 110, MedGen C2673874, MONDO:0014442, OMIM 615991.
Joubert syndrome 6 (JBTS6). Identifiers: Orphanet 475, MedGen C1853153, MONDO:0012539, OMIM 610688.
COACH syndrome 1. Identifiers: Orphanet 1454, MedGen C5435651, MONDO:0800103, OMIM 216360, MONDO:0008996.
Meckel syndrome, type 3 (MKS3). Also called: MECKEL-GRUBER SYNDROME, TYPE 3. Identifiers: Orphanet 564, MedGen C1846357, MONDO:0011821, OMIM 607361.
RHYNS syndrome. Also called: RETINITIS PIGMENTOSA SYNDROME; RETINITIS PIGMENTOSA, HYPOPITUITARISM, NEPHRONOPHTHISIS, AND MILD SKELETAL DYSPLASIA. Identifiers: Orphanet 140976, MedGen C1865794, MONDO:0011202, OMIM 602152.
Nephronophthisis 11 (NPHP11). Identifiers: Orphanet 84081, MedGen C3150796, MONDO:0013302, OMIM 613550.

gnomAD v4.1: 4 of 1,614,196 alleles (0.00025%); highest among the groups gnomAD compares: African/African-American, 0.0013%; no homozygotes.

Submissions (2):

Fulgent Genetics
Classification: Uncertain significance for COACH syndrome 1; RHYNS syndrome; Meckel syndrome, type 3; Joubert syndrome 6; Nephronophthisis 11; Bardet-Biedl syndrome 14. Last evaluated: 2024-05-23. Review status: criteria provided, single submitter. Criteria: ACMG Guidelines, 2015. Collection method: clinical testing. Allele origin: germline.

Labcorp Genetics (formerly Invitae), Labcorp
Classification: Uncertain significance for Joubert syndrome; Meckel-Gruber syndrome. Last evaluated: 2022-03-04. Review status: criteria provided, single submitter. Criteria: Invitae Variant Classification Sherloc (09022015). Collection method: clinical testing. Allele origin: germline.
Comment: This sequence change replaces alanine, which is neutral and non-polar, with aspartic acid, which is acidic and polar, at codon 19 of the TMEM67 protein (p.Ala19Asp). This variant is not present in population databases (gnomAD no frequency). This variant has not been reported in the literature in individuals affected with TMEM67-related conditions. Advanced modeling of protein sequence and biophysical properties (such as structural, functional, and spatial information, amino acid conservation, physicochemical variation, residue mobility, and thermodynamic stability) performed at Invitae indicates that this missense variant is not expected to disrupt TMEM67 protein function. In summary, the available evidence is currently insufficient to determine the role of this variant in disease. Therefore, it has been classified as a Variant of Uncertain Significance.

NM_153704.6(TMEM67):c.56C>A (p.Ala19Asp)

Gene: TMEM67 (transmembrane protein 67; plus strand). Cytogenetic location: 8q22.1.
Variant type: single nucleotide variant.
Coding change: c.56C>A on transcript NM_153704.6 (MANE Select); coding-DNA position 56, C replaced by A.
Protein change: p.Ala19Asp; replaces alanine 19 with aspartic acid.
Molecular consequence: missense variant. On other transcripts: non-coding transcript variant (1), intron variant (1).
Genome position (GRCh38, 1-based): chr8:93,754,970, C>A. VCF-style: chr8-93754970-C-A. GRCh37 (hg19) VCF-style: chr8-94767198-C-A.
Other names: c.-179-50C>A (NM_001142301.1); short protein forms A19D.
Identifiers: ClinVar variation 1927645 (VCV001927645.3), dbSNP rs1400181348, ClinGen allele CA371685149.